The following is an entry in ClinVar:

ClinVar aggregate classification (germline): Conflicting classifications of pathogenicity. Review status: criteria provided, conflicting classifications (1 of 4 stars). 2 submissions from 2 submitters: Uncertain significance (1); Likely benign (1). Last evaluated 2024-03-21.

Conditions:
Progressive sclerosing poliodystrophy (MTDPS4A). Also called: ALPERS PROGRESSIVE INFANTILE POLIODYSTROPHY; ALPERS DIFFUSE DEGENERATION OF CEREBRAL GRAY MATTER WITH HEPATIC CIRRHOSIS; Alpers-Huttenlocher Syndrome; NEURONAL DEGENERATION OF CHILDHOOD WITH LIVER DISEASE, PROGRESSIVE; Alpers Syndrome; Mitochondrial DNA Depletion Syndrome 4A. Identifiers: Orphanet 726, MedGen C0205710, MONDO:0008758, OMIM 203700.

Submissions (2):

Athena Diagnostics
Classification: Uncertain significance. Last evaluated: 2024-03-21. Review status: criteria provided, single submitter. Criteria: Athena Diagnostics Criteria. Collection method: clinical testing. Allele origin: unknown.
Comment: Available data are insufficient to determine the clinical significance of the variant at this time. This variant has not been reported in large, multi-ethnic general populations. Computational tools yielded predictions that this variant is unlikely to have an effect on normal RNA splicing.

Labcorp Genetics (formerly Invitae), Labcorp
Classification: Likely benign for Progressive sclerosing poliodystrophy. Last evaluated: 2023-10-13. Review status: criteria provided, single submitter. Criteria: Invitae Variant Classification Sherloc (09022015). Collection method: clinical testing. Allele origin: germline.

NM_002693.3(POLG):c.1171-10C>G

Gene: POLG (DNA polymerase gamma, catalytic subunit; minus strand). Cytogenetic location: 15q26.1.
Variant type: single nucleotide variant.
Coding change: c.1171-10C>G on transcript NM_002693.3 (MANE Select); 10 bases into the intron before coding-DNA position 1171, C replaced by G.
Molecular consequence: intron variant.
Genome position (GRCh38, 1-based): chr15:89,328,545, G>C on the plus strand (C>G on the coding strand, the complement: POLG is on the minus strand). VCF-style: chr15-89328545-G-C. GRCh37 (hg19) VCF-style: chr15-89871776-G-C.
Other names: c.1171-10C>G (NM_001126131.2).
Identifiers: ClinVar variation 995213 (VCV000995213.6), dbSNP rs1228287579, ClinGen allele CA1139664123.
Genomic context (GRCh38, chr15:89,328,545, plus strand): 5'-GAAAACCTCATGGGTGGCCCACACGTCCTGGGCACAGTACTGCATCAGGTCCTGGCACAA[G>C]GTGACAGGAAGGCGCAAGGTGGGCAGCCATCCCATTACCACCACCAGCTCTCAGGGTCAG-3'